The following is an entry in ClinVar:

NM_001034850.3(RETREG1):c.559C>G (p.Leu187Val)

Gene: RETREG1 (reticulophagy regulator 1; minus strand). Cytogenetic location: 5p15.1.
Variant type: single nucleotide variant.
Coding change: c.559C>G on transcript NM_001034850.3 (MANE Select); coding-DNA position 559, C replaced by G.
Protein change: p.Leu187Val; replaces leucine 187 with valine.
Molecular consequence: missense variant.
Genome position (GRCh38, 1-based): chr5:16,483,372, G>C on the plus strand (C>G on the coding strand, the complement: RETREG1 is on the minus strand). VCF-style: chr5-16483372-G-C. GRCh37 (hg19) VCF-style: chr5-16483481-G-C.
Other names: c.559C>G (NM_001034850.1); c.136C>G, p.Leu46Val (NM_019000.5); short protein forms L187V, L46V.
Identifiers: ClinVar variation 1023310 (VCV001023310.9), dbSNP rs774683360, ClinGen allele CA3210415.

ClinVar aggregate classification (germline): Uncertain significance. Review status: criteria provided, multiple submitters, no conflicts (2 of 4 stars). 2 submissions from 2 submitters: Uncertain significance (2). Last evaluated 2024-09-03.

Conditions:
Inborn genetic diseases. Identifiers: MedGen C0950123, MeSH D030342.

Allele frequency attached by ClinVar (database versions not stated): gnomAD exomes below 0.00001 and 0.00001; ExAC 0.00001; gnomAD 0.00001; TOPMed 0.00001.
gnomAD v4.1: 7 of 1,613,210 alleles (0.00043%); highest among the groups gnomAD compares: East Asian, 0.016%; no homozygotes.

Submissions (2):

Ambry Genetics
Classification: Uncertain significance for Inborn genetic diseases. Last evaluated: 2024-09-03. Review status: criteria provided, single submitter. Criteria: Ambry Variant Classification Scheme 2023. Collection method: clinical testing. Allele origin: germline.

Labcorp Genetics (formerly Invitae), Labcorp
Classification: Uncertain significance. Last evaluated: 2022-02-11. Review status: criteria provided, single submitter. Criteria: Invitae Variant Classification Sherloc (09022015). Collection method: clinical testing. Allele origin: germline.
Comment: This sequence change replaces leucine, which is neutral and non-polar, with valine, which is neutral and non-polar, at codon 187 of the FAM134B protein (p.Leu187Val). This variant is present in population databases (rs774683360, gnomAD 0.02%). This variant has not been reported in the literature in individuals affected with FAM134B-related conditions. ClinVar contains an entry for this variant (Variation ID: 1023310). Algorithms developed to predict the effect of missense changes on protein structure and function output the following: SIFT: "Tolerated"; PolyPhen-2: "Benign"; Align-GVGD: "Class C0". The valine amino acid residue is found in multiple mammalian species, which suggests that this missense change does not adversely affect protein function. In summary, the available evidence is currently insufficient to determine the role of this variant in disease. Therefore, it has been classified as a Variant of Uncertain Significance.